The following is an entry in ClinVar:

ClinVar aggregate classification (germline): Uncertain significance (1 of 4 stars; one submission).

Conditions:
Immunodeficiency. Identifiers: MedGen C0021051, MONDO:0021094, HP:0002721.

gnomAD v4.1: 9 of 1,614,168 alleles (0.00056%); highest among the groups gnomAD compares: Non-Finnish European, 0.00076%; no homozygotes.

Submission:

Labcorp Genetics (formerly Invitae), Labcorp
Classification: Uncertain significance for Immunodeficiency. Last evaluated: 2025-09-08. Review status: criteria provided, single submitter. Criteria: Invitae Variant Classification Sherloc (09022015). Collection method: clinical testing. Allele origin: germline.
Comment: This sequence change replaces valine, which is neutral and non-polar, with isoleucine, which is neutral and non-polar, at codon 1285 of the NFAT5 protein (p.Val1285Ile). This variant is present in population databases (rs780851457, gnomAD 0.004%). This variant has not been reported in the literature in individuals affected with NFAT5-related conditions. An algorithm developed to predict the effect of missense changes on protein structure and function (PolyPhen-2) suggests that this variant is likely to be disruptive. In summary, the available evidence is currently insufficient to determine the role of this variant in disease. Therefore, it has been classified as a Variant of Uncertain Significance.

NM_138713.4(NFAT5):c.4135G>A (p.Val1379Ile)

Gene: NFAT5 (nuclear factor of activated T cells 5; plus strand). Cytogenetic location: 16q22.1.
Variant type: single nucleotide variant.
Coding change: c.4135G>A on transcript NM_138713.4 (MANE Select); coding-DNA position 4135, G replaced by A.
Protein change: p.Val1379Ile; replaces valine 1379 with isoleucine.
Molecular consequence: missense variant.
Genome position (GRCh38, 1-based): chr16:69,693,960, G>A. VCF-style: chr16-69693960-G-A. GRCh37 (hg19) VCF-style: chr16-69727863-G-A.
Other names: c.4132G>A, p.Val1378Ile (NM_001113178.3); c.3460G>A, p.Val1154Ile (NM_001367709.1); c.4081G>A, p.Val1361Ile (NM_006599.4); c.3853G>A, p.Val1285Ile (NM_138714.4, NM_173214.3, NM_173215.3); short protein forms V1154I, V1285I, V1361I, V1378I, V1379I.
Identifiers: ClinVar variation 4803708 (VCV004803708.1).